The following is an entry in ClinVar:

NM_152617.4(RNF168):c.1252C>A (p.Gln418Lys)

Gene: RNF168 (ring finger protein 168; minus strand). Cytogenetic location: 3q29.
Variant type: single nucleotide variant.
Coding change: c.1252C>A on transcript NM_152617.4 (MANE Select); coding-DNA position 1252, C replaced by A.
Protein change: p.Gln418Lys; replaces glutamine 418 with lysine.
Molecular consequence: missense variant.
Genome position (GRCh38, 1-based): chr3:196,472,283, G>T on the plus strand (C>A on the coding strand, the complement: RNF168 is on the minus strand). VCF-style: chr3-196472283-G-T. GRCh37 (hg19) VCF-style: chr3-196199154-G-T.
Other names: short protein forms Q418K.
Identifiers: ClinVar variation 1976635 (VCV001976635.2), dbSNP rs1426643532, ClinGen allele CA355616475.

ClinVar aggregate classification (germline): Uncertain significance (1 of 4 stars; one submission).

Allele frequency attached by ClinVar (database versions not stated): TOPMed 0.00001.
gnomAD v4.1: 24 of 1,613,786 alleles (0.0015%); highest among the groups gnomAD compares: Non-Finnish European, 0.0019%; no homozygotes.

Submission:

Labcorp Genetics (formerly Invitae), Labcorp
Classification: Uncertain significance. Last evaluated: 2022-02-21. Review status: criteria provided, single submitter. Criteria: Invitae Variant Classification Sherloc (09022015). Collection method: clinical testing. Allele origin: germline.
Comment: This sequence change replaces glutamine, which is neutral and polar, with lysine, which is basic and polar, at codon 418 of the RNF168 protein (p.Gln418Lys). This variant is present in population databases (no rsID available, gnomAD 0.002%). This variant has not been reported in the literature in individuals affected with RNF168-related conditions. Algorithms developed to predict the effect of missense changes on protein structure and function (SIFT, PolyPhen-2, Align-GVGD) all suggest that this variant is likely to be tolerated. In summary, the available evidence is currently insufficient to determine the role of this variant in disease. Therefore, it has been classified as a Variant of Uncertain Significance.